The following is an entry in ClinVar:

NM_000094.4(COL7A1):c.7215C>A (p.Phe2405Leu)

Gene: COL7A1 (collagen type VII alpha 1 chain; minus strand). Cytogenetic location: 3p21.31.
Variant type: single nucleotide variant.
Coding change: c.7215C>A on transcript NM_000094.4 (MANE Select); coding-DNA position 7215, C replaced by A.
Protein change: p.Phe2405Leu; replaces phenylalanine 2405 with leucine.
Molecular consequence: missense variant.
Genome position (GRCh38, 1-based): chr3:48,570,918, G>T on the plus strand (C>A on the coding strand, the complement: COL7A1 is on the minus strand). VCF-style: chr3-48570918-G-T. GRCh37 (hg19) VCF-style: chr3-48608351-G-T.
Other names: short protein forms F2405L.
Identifiers: ClinVar variation 1351440 (VCV001351440.5), dbSNP rs779587550, ClinGen allele CA352650355.

ClinVar aggregate classification (germline): Uncertain significance (1 of 4 stars; one submission).

gnomAD v4.1: 1 of 1,613,648 alleles (0.000062%); highest among the groups gnomAD compares: African/African-American, 0.0013%; no homozygotes.

Submission:

Labcorp Genetics (formerly Invitae), Labcorp
Classification: Uncertain significance. Last evaluated: 2022-08-19. Review status: criteria provided, single submitter. Criteria: Invitae Variant Classification Sherloc (09022015). Collection method: clinical testing. Allele origin: germline.
Comment: This sequence change replaces phenylalanine, which is neutral and non-polar, with leucine, which is neutral and non-polar, at codon 2405 of the COL7A1 protein (p.Phe2405Leu). This variant is present in population databases (no rsID available, gnomAD 0.01%). This variant has not been reported in the literature in individuals affected with COL7A1-related conditions. ClinVar contains an entry for this variant (Variation ID: 1351440). Advanced modeling of protein sequence and biophysical properties (such as structural, functional, and spatial information, amino acid conservation, physicochemical variation, residue mobility, and thermodynamic stability) performed at Invitae indicates that this missense variant is not expected to disrupt COL7A1 protein function. In summary, the available evidence is currently insufficient to determine the role of this variant in disease. Therefore, it has been classified as a Variant of Uncertain Significance.